The following is an entry in ClinVar:

NM_000059.4(BRCA2):c.7360A>T (p.Ile2454Phe)

Gene: BRCA2 (BRCA2 DNA repair associated; plus strand). Cytogenetic location: 13q13.1.
Variant type: single nucleotide variant.
Coding change: c.7360A>T on transcript NM_000059.4 (MANE Select); coding-DNA position 7360, A replaced by T.
Protein change: p.Ile2454Phe; replaces isoleucine 2454 with phenylalanine.
Molecular consequence: missense variant.
Genome position (GRCh38, 1-based): chr13:32,355,213, A>T. VCF-style: chr13-32355213-A-T. GRCh37 (hg19) VCF-style: chr13-32929350-A-T.
Other names: short protein forms I2454F.
Identifiers: ClinVar variation 233187 (VCV000233187.33), dbSNP rs876660249, ClinGen allele CA10579734.
Genomic context (GRCh38, chr13:32,355,213, plus strand): 5'-AAGCAAAACATTGATGGACATGGCTCTGATGATAGTAAAAATAAGATTAATGACAATGAG[A>T]TTCATCAGTTTAACAAAAACAACTCCAATCAAGCAGTAGCTGTAACTTTCACAAAGTGTG-3'
Protein context (NP_000050.3, residues 2444-2464): DSKNKINDNE[Ile2454Phe]HQFNKNNSNQ

ClinVar aggregate classification (germline): Conflicting classifications of pathogenicity. Review status: criteria provided, conflicting classifications (1 of 4 stars). 7 submissions from 7 submitters: Uncertain significance (6); Likely benign (1). Last evaluated 2025-10-28.

Conditions:
Hereditary breast ovarian cancer syndrome. Also called: Hereditary breast and ovarian cancer syndrome; Breast and ovarian cancer; Hereditary breast and ovarian cancer; Hereditary breast and ovarian cancer syndrome (HBOC); BRCA1- and BRCA2-Associated Hereditary Breast and Ovarian Cancer; Hereditary breast and/or ovarian cancer syndrome. Identifiers: Orphanet 145, MedGen C0677776, MeSH D061325, MONDO:0003582. Disease mechanism: loss of function.
Breast-ovarian cancer, familial, susceptibility to, 2 (BROVCA2). Also called: BRCA2 Hereditary Breast and Ovarian Cancer. Identifiers: Orphanet 145, MedGen C2675520, MONDO:0012933, OMIM 612555. Disease mechanism: loss of function.
Fanconi anemia complementation group D1. Also called: BRCA2-Related Fanconi Anemia. Identifiers: Orphanet 319462, MedGen C1838457, MONDO:0011584, OMIM 605724.
Medulloblastoma (MDB). Also called: MEDULLOBLASTOMA PREDISPOSITION SYNDROME; Medulloblastoma, somatic. Identifiers: Orphanet 616, MedGen C0025149, MeSH D008527, MONDO:0007959, OMIM 155255, HP:0002885.
Prostate cancer. Also called: Malignant tumor of prostate. Identifiers: Orphanet 1331, MedGen C0376358, MONDO:0008315, HP:0012125.
Familial cancer of breast. Also called: hereditary breast carcinoma; BREAST CANCER, FAMILIAL; Hereditary breast cancer. Identifiers: Orphanet 227535, MedGen C0346153, MONDO:0016419, OMIM 114480. Disease mechanism: loss of function.
Wilms tumor 1 (WT1). Also called: Wilms tumor, somatic. Identifiers: Orphanet 654, MedGen CN033288, MONDO:0008679, OMIM 194070.
Pancreatic cancer, susceptibility to, 2. Identifiers: Orphanet 1333, MedGen C3150546, MONDO:0013235, OMIM 613347.
Glioma susceptibility 3 (GLM3). Also called: Glioblastoma 3. Identifiers: Orphanet 182067, Orphanet 360, MedGen C2751641, MONDO:0013093, OMIM 613029.
Hereditary cancer-predisposing syndrome. Also called: Hereditary neoplastic syndrome; Hereditary Cancer Syndrome; Neoplastic Syndromes, Hereditary; Tumor predisposition. Identifiers: Orphanet 140162, MedGen C0027672, MeSH D009386, MONDO:0015356.

Allele frequency attached by ClinVar (database versions not stated): gnomAD 0.00002; TOPMed 0.00001; gnomAD exomes below 0.00001.
gnomAD v4.1: 4 of 1,612,762 alleles (0.00025%); highest among the groups gnomAD compares: African/African-American, 0.0053%; no homozygotes.

Submissions (7):

Color Diagnostics, LLC DBA Color Health
Classification: Uncertain significance for Hereditary cancer-predisposing syndrome. Last evaluated: 2025-10-28. Review status: criteria provided, single submitter. Criteria: ACMG Guidelines, 2015. Collection method: clinical testing. Allele origin: germline.
Comment: This missense variant replaces isoleucine with phenylalanine at codon 2454 of the BRCA2 protein. Computational prediction suggests that this variant may not impact protein structure and function. To our knowledge, functional studies have not been reported for this variant. Multifactorial analysis reached a likelihood ratio (LR) of 2.509 based on personal and family history for 2 carriers (PMID: 31853058). This variant has been identified in 4/1612762 chromosomes in the general population by the Genome Aggregation Database (gnomAD). The available evidence is insufficient to determine the role of this variant in disease conclusively. Therefore, this variant is classified as a Variant of Uncertain Significance.

Ambry Genetics
Classification: Likely benign for Hereditary cancer-predisposing syndrome. Last evaluated: 2025-04-17. Review status: criteria provided, single submitter. Criteria: Ambry Variant Classification Scheme 2023. Collection method: clinical testing. Allele origin: germline.

Labcorp Genetics (formerly Invitae), Labcorp
Classification: Uncertain significance for Hereditary breast ovarian cancer syndrome. Last evaluated: 2025-03-11. Review status: criteria provided, single submitter. Criteria: Invitae Variant Classification Sherloc (09022015). Collection method: clinical testing. Allele origin: germline.
Comment: This sequence change replaces isoleucine, which is neutral and non-polar, with phenylalanine, which is neutral and non-polar, at codon 2454 of the BRCA2 protein (p.Ile2454Phe). This variant is present in population databases (no rsID available, gnomAD 0.007%). This variant has not been reported in the literature in individuals affected with BRCA2-related conditions. ClinVar contains an entry for this variant (Variation ID: 233187). Invitae Evidence Modeling of protein sequence and biophysical properties (such as structural, functional, and spatial information, amino acid conservation, physicochemical variation, residue mobility, and thermodynamic stability) indicates that this missense variant is not expected to disrupt BRCA2 protein function with a negative predictive value of 95%. In summary, the available evidence is currently insufficient to determine the role of this variant in disease. Therefore, it has been classified as a Variant of Uncertain Significance.

All of Us Research Program, National Institutes of Health
Classification: Uncertain significance for Breast-ovarian cancer, familial, susceptibility to, 2. Last evaluated: 2023-10-06. Review status: criteria provided, single submitter. Criteria: ACMG Guidelines, 2015. Collection method: clinical testing. Allele origin: germline. Inheritance: Autosomal dominant inheritance. Observed: 2 variant alleles, 2 heterozygotes.
Comment: This missense variant replaces isoleucine with phenylalanine at codon 2454 of the BRCA2 protein. Computational prediction suggests that this variant may not impact protein structure and function (internally defined REVEL score threshold <= 0.5, PMID: 27666373). To our knowledge, functional studies have not been reported for this variant. This variant has not been reported in individuals affected with BRCA2-related disorders in the literature. This variant has been identified in 1/251102 chromosomes in the general population by the Genome Aggregation Database (gnomAD). The available evidence is insufficient to determine the role of this variant in disease conclusively. Therefore, this variant is classified as a Variant of Uncertain Significance.

This study involves interpretation of variants in research participants for the purpose of population health screening. Participant phenotype was not available at the time of variant classification. Additional details can be found in publication PMID: 35346344, PMCID: PMC8962531

Fulgent Genetics
Classification: Uncertain significance for Familial cancer of breast; Medulloblastoma; Familial prostate cancer; Wilms tumor 1; Fanconi anemia complementation group D1; Breast-ovarian cancer, familial, susceptibility to, 2; Glioma susceptibility 3; Pancreatic cancer, susceptibility to, 2. Last evaluated: 2022-03-29. Review status: criteria provided, single submitter. Criteria: ACMG Guidelines, 2015. Collection method: clinical testing. Allele origin: unknown.

Quest Diagnostics Nichols Institute San Juan Capistrano
Classification: Uncertain significance. Last evaluated: 2020-07-17. Review status: criteria provided, single submitter. Criteria: Quest Diagnostics criteria. Collection method: clinical testing. Allele origin: unknown.

GeneDx
Classification: Uncertain significance. Last evaluated: 2020-03-11. Review status: criteria provided, single submitter. Criteria: GeneDx Variant Classification Process June 2021. Collection method: clinical testing. Allele origin: germline. Affected: yes.
Comment: Not observed at a significant frequency in large population cohorts (Lek et al., 2016); In silico analysis supports that this missense variant does not alter protein structure/function; Has not been previously published as pathogenic or benign to our knowledge; Also known as 7588A>T

Literature cited by the submitters: PubMed 31853058 (cited by Color Diagnostics, LLC DBA Color Health).